The following is an entry in ClinVar:

NM_001303256.3(MORC2):c.2128C>T (p.Pro710Ser)

Gene: MORC2 (MORC family CW-type zinc finger 2; minus strand). Cytogenetic location: 22q12.2.
Variant type: single nucleotide variant.
Coding change: c.2128C>T on transcript NM_001303256.3 (MANE Select); coding-DNA position 2128, C replaced by T.
Protein change: p.Pro710Ser; replaces proline 710 with serine.
Molecular consequence: missense variant.
Genome position (GRCh38, 1-based): chr22:30,934,846, G>A on the plus strand (C>T on the coding strand, the complement: MORC2 is on the minus strand). VCF-style: chr22-30934846-G-A. GRCh37 (hg19) VCF-style: chr22-31330833-G-A.
Other names: c.2128C>T, p.Pro710Ser (NM_001303257.2); c.1942C>T, p.Pro648Ser (NM_014941.3); short protein forms P710S, P648S.
Identifiers: ClinVar variation 542278 (VCV000542278.12), dbSNP rs780648306, ClinGen allele CA10186765.

ClinVar aggregate classification (germline): Uncertain significance. Review status: criteria provided, single submitter (1 of 4 stars). 2 submissions from 2 submitters: Uncertain significance (1). 1 of the submissions does not count toward it. Last evaluated 2024-12-09.

Conditions:
MORC2-related disorder. Also called: MORC2-related condition.
Charcot-Marie-Tooth disease axonal type 2Z. Also called: CHARCOT-MARIE-TOOTH DISEASE, AXONAL, AUTOSOMAL DOMINANT, TYPE 2Z; CHARCOT-MARIE-TOOTH NEUROPATHY, TYPE 2Z. Identifiers: Orphanet 466768, MedGen C5569025, MONDO:0014736, OMIM 616688.

Allele frequency attached by ClinVar (database versions not stated): gnomAD 0.00002; gnomAD exomes 0.00003 and 0.00007; TOPMed 0.00004; ExAC 0.00005.
gnomAD v4.1: 20 of 1,614,042 alleles (0.0012%); highest among the groups gnomAD compares: Admixed American, 0.028%; no homozygotes.

Submissions (2):

Labcorp Genetics (formerly Invitae), Labcorp
Classification: Uncertain significance for Charcot-Marie-Tooth disease axonal type 2Z. Last evaluated: 2024-12-09. Review status: criteria provided, single submitter. Criteria: Invitae Variant Classification Sherloc (09022015). Collection method: clinical testing. Allele origin: germline.
Comment: This sequence change replaces proline, which is neutral and non-polar, with serine, which is neutral and polar, at codon 710 of the MORC2 protein (p.Pro710Ser). This variant is present in population databases (rs780648306, gnomAD 0.05%), and has an allele count higher than expected for a pathogenic variant. This missense change has been observed in individual(s) with clinical features of Charcot-Marie-Tooth disease (internal data). ClinVar contains an entry for this variant (Variation ID: 542278). Invitae Evidence Modeling of protein sequence and biophysical properties (such as structural, functional, and spatial information, amino acid conservation, physicochemical variation, residue mobility, and thermodynamic stability) indicates that this missense variant is not expected to disrupt MORC2 protein function with a negative predictive value of 80%. In summary, the available evidence is currently insufficient to determine the role of this variant in disease. Therefore, it has been classified as a Variant of Uncertain Significance.

PreventionGenetics, part of Exact Sciences
Classification: Likely benign for MORC2-related condition. Last evaluated: 2022-08-09. Review status: no assertion criteria provided. Collection method: clinical testing. Allele origin: germline. Not counted in ClinVar's aggregate classification.
Comment: This variant is classified as likely benign based on ACMG/AMP sequence variant interpretation guidelines (Richards et al. 2015 PMID: 25741868, with internal and published modifications).